The following is an entry in ClinVar:

ClinVar aggregate classification (germline): Uncertain significance (1 of 4 stars; one submission).

gnomAD v4.1: 4 of 1,614,014 alleles (0.00025%); highest among the groups gnomAD compares: South Asian, 0.0011%; no homozygotes.

Submission:

Labcorp Genetics (formerly Invitae), Labcorp
Classification: Uncertain significance. Last evaluated: 2024-02-27. Review status: criteria provided, single submitter. Criteria: Invitae Variant Classification Sherloc (09022015). Collection method: clinical testing. Allele origin: germline.
Comment: This sequence change replaces arginine, which is basic and polar, with tryptophan, which is neutral and slightly polar, at codon 836 of the CLCN2 protein (p.Arg836Trp). This variant is present in population databases (no rsID available, gnomAD 0.003%). This variant has not been reported in the literature in individuals affected with CLCN2-related conditions. Advanced modeling of protein sequence and biophysical properties (such as structural, functional, and spatial information, amino acid conservation, physicochemical variation, residue mobility, and thermodynamic stability) has been performed at Invitae for this missense variant, however the output from this modeling did not meet the statistical confidence thresholds required to predict the impact of this variant on CLCN2 protein function. In summary, the available evidence is currently insufficient to determine the role of this variant in disease. Therefore, it has been classified as a Variant of Uncertain Significance.

NM_004366.6(CLCN2):c.2506C>T (p.Arg836Trp)

Gene: CLCN2 (chloride voltage-gated channel 2; minus strand). Cytogenetic location: 3q27.1.
Variant type: single nucleotide variant.
Coding change: c.2506C>T on transcript NM_004366.6 (MANE Select); coding-DNA position 2506, C replaced by T.
Protein change: p.Arg836Trp; replaces arginine 836 with tryptophan.
Molecular consequence: missense variant.
Genome position (GRCh38, 1-based): chr3:184,346,797, G>A on the plus strand (C>T on the coding strand, the complement: CLCN2 is on the minus strand). VCF-style: chr3-184346797-G-A. GRCh37 (hg19) VCF-style: chr3-184064585-G-A.
Other names: c.2455C>T, p.Arg819Trp (NM_001171087.3); c.2374C>T, p.Arg792Trp (NM_001171088.3); c.2419C>T, p.Arg807Trp (NM_001171089.3); short protein forms R792W, R819W, R836W, R807W.
Identifiers: ClinVar variation 3679208 (VCV003679208.2).